The following is an entry in ClinVar:

ClinVar aggregate classification (germline): Uncertain significance. Review status: criteria provided, single submitter (1 of 4 stars). 2 submissions from 2 submitters: Uncertain significance (1). 1 of the submissions does not count toward it. Last evaluated 2026-01-04.

Conditions:
Duchenne muscular dystrophy (DMD). Also called: MUSCULAR DYSTROPHY, PSEUDOHYPERTROPHIC PROGRESSIVE, DUCHENNE TYPE; Duchenne Muscular Dystrophy (DMD). Identifiers: Orphanet 98896, MedGen C0013264, MONDO:0010679, OMIM 310200.
Dystrophin deficiency.
Becker muscular dystrophy (BMD). Also called: MUSCULAR DYSTROPHY, PSEUDOHYPERTROPHIC PROGRESSIVE, BECKER TYPE; Becker Muscular Dystrophy (BMD). Identifiers: Orphanet 98895, MedGen C0917713, MONDO:0010311, OMIM 300376.
Cardiomyopathy (CMYO). Also called: Cardiomyopathies. Identifiers: Orphanet 167848, MedGen C0878544, MONDO:0004994, HP:0001638. Inheritance: Various modes of inheritance.

Allele frequency attached by ClinVar (database versions not stated): TOPMed below 0.00001.

Submissions (2):

Labcorp Genetics (formerly Invitae), Labcorp
Classification: Uncertain significance for Duchenne muscular dystrophy. Last evaluated: 2026-01-04. Review status: criteria provided, single submitter. Criteria: Invitae Variant Classification Sherloc (09022015). Collection method: clinical testing. Allele origin: germline.
Comment: This sequence change replaces cysteine, which is neutral and slightly polar, with arginine, which is basic and polar, at codon 1569 of the DMD protein (p.Cys1569Arg). This variant is not present in population databases (gnomAD no frequency). This variant has not been reported in the literature in individuals affected with DMD-related conditions. ClinVar contains an entry for this variant (Variation ID: 1004650). Invitae Evidence Modeling of protein sequence and biophysical properties (such as structural, functional, and spatial information, amino acid conservation, physicochemical variation, residue mobility, and thermodynamic stability) indicates that this missense variant is not expected to disrupt DMD protein function with a negative predictive value of 95%. In summary, the available evidence is currently insufficient to determine the role of this variant in disease. Therefore, it has been classified as a Variant of Uncertain Significance.

Natera, Inc.
Classification: Uncertain significance for Becker muscular dystrophy; Cardiomyopathy; Duchenne muscular dystrophy; Dystrophin deficiency. Last evaluated: 2018-09-26. Review status: no assertion criteria provided. Collection method: clinical testing. Allele origin: germline. Not counted in ClinVar's aggregate classification.

NM_004006.3(DMD):c.4705T>C (p.Cys1569Arg)

Gene: DMD (dystrophin; minus strand). Cytogenetic location: Xp21.1.
Variant type: single nucleotide variant.
Coding change: c.4705T>C on transcript NM_004006.3 (MANE Select); coding-DNA position 4705, T replaced by C.
Protein change: p.Cys1569Arg; replaces cysteine 1569 with arginine.
Molecular consequence: missense variant.
Genome position (GRCh38, 1-based): chrX:32,380,650, A>G on the plus strand (T>C on the coding strand, the complement: DMD is on the minus strand). VCF-style: chrX-32380650-A-G. GRCh37 (hg19) VCF-style: chrX-32398767-A-G.
Other names: c.4681T>C, p.Cys1561Arg (NM_000109.4); c.4693T>C, p.Cys1565Arg (NM_004009.3); c.4336T>C, p.Cys1446Arg (NM_004010.3); c.682T>C, p.Cys228Arg (NM_004011.4); c.673T>C, p.Cys225Arg (NM_004012.4); short protein forms C1446R, C1561R, C1565R, C1569R, C225R, C228R.
Identifiers: ClinVar variation 1004650 (VCV001004650.5), dbSNP rs2097921010, ClinGen allele CA412661528.